The following is an entry in ClinVar:

NM_015450.3(POT1):c.1005A>G (p.Thr335=)

Gene: POT1 (protection of telomeres 1; minus strand). Cytogenetic location: 7q31.33.
Variant type: single nucleotide variant.
Coding change: c.1005A>G on transcript NM_015450.3 (MANE Select); coding-DNA position 1005, A replaced by G.
Protein change: p.Thr335=; no amino-acid change (threonine 335 retained).
Molecular consequence: synonymous variant. On other transcripts: non-coding transcript variant (3).
Genome position (GRCh38, 1-based): chr7:124,846,943, T>C on the plus strand (A>G on the coding strand, the complement: POT1 is on the minus strand). VCF-style: chr7-124846943-T-C. GRCh37 (hg19) VCF-style: chr7-124486997-T-C.
Other names: c.612A>G, p.Thr204= (NM_001042594.2).
Identifiers: ClinVar variation 3936290 (VCV003936290.1).

ClinVar aggregate classification (germline): Uncertain significance (1 of 4 stars; one submission).

Conditions:
Hereditary cancer-predisposing syndrome. Also called: Tumor predisposition; Hereditary neoplastic syndrome; Hereditary Cancer Syndrome; Neoplastic Syndromes, Hereditary. Identifiers: Orphanet 140162, MedGen C0027672, MeSH D009386, MONDO:0015356.

Submission:

Ambry Genetics
Classification: Uncertain significance for Hereditary cancer-predisposing syndrome. Last evaluated: 2025-05-09. Review status: criteria provided, single submitter. Criteria: Ambry Variant Classification Scheme 2023. Collection method: clinical testing. Allele origin: germline.
Comment: The c.1005A>G variant (also known as p.T335T), located in coding exon 8 of the POT1 gene, results from an A to G substitution at nucleotide position 1005. This nucleotide substitution does not change the at codon 335. However, this change occurs in the base pair of coding exon 8, which makes it likely to have some effect on normal mRNA splicing. This nucleotide position is well conserved in available vertebrate species. In silico splice site analysis predicts that this alteration may weaken the native splice donor site; however, direct evidence is insufficient at this time (Ambry internal data). Based on the available evidence, the clinical significance of this variant remains unclear.